The following is an entry in ClinVar:

ClinVar aggregate classification (germline): Pathogenic (1 of 4 stars; one submission).

Submission:

GeneDx
Classification: Pathogenic. Last evaluated: 2022-04-21. Review status: criteria provided, single submitter. Criteria: GeneDx Variant Classification Process June 2021. Collection method: clinical testing. Allele origin: germline. Affected: yes.
Comment: Canonical splice site variant predicted to result in a null allele in a gene for which loss of function is a known mechanism of disease; Not observed at significant frequency in large population cohorts (gnomAD); Has not been previously published as pathogenic or benign to our knowledge

NM_000321.3(RB1):c.861+2del

Gene: RB1 (RB transcriptional corepressor 1; plus strand). Cytogenetic location: 13q14.2.
Variant type: Deletion.
Coding change: c.861+2del on transcript NM_000321.3 (MANE Select); the canonical splice donor site of the intron after coding-DNA position 861, one base deleted (T; older notation c.861+2delT).
Molecular consequence: splice donor variant.
Genome position (GRCh38, 1-based): chr13:48,362,959, T deleted. VCF-style (leftmost placement, unchanged base first): chr13-48362958-GT-G. GRCh37 (hg19) VCF-style: chr13-48937094-GT-G.
Other names: c.861+2delT (NM_000321.2); c.861+2del (NM_001407165.1, NM_001407166.1).
Identifiers: ClinVar variation 421686 (VCV000421686.4), dbSNP rs1064795296, ClinGen allele CA16619812.